The following is an entry in ClinVar:

NM_000038.6(APC):c.2128C>G (p.Leu710Val)

Gene: APC (APC regulator of Wnt signaling pathway; plus strand). Cytogenetic location: 5q22.2.
Variant type: single nucleotide variant.
Coding change: c.2128C>G on transcript NM_000038.6 (MANE Select); coding-DNA position 2128, C replaced by G.
Protein change: p.Leu710Val; replaces leucine 710 with valine.
Molecular consequence: missense variant.
Genome position (GRCh38, 1-based): chr5:112,837,722, C>G. VCF-style: chr5-112837722-C-G. GRCh37 (hg19) VCF-style: chr5-112173419-C-G.
Other names: c.2128C>G, p.Leu710Val (NM_001127510.3, NM_001354895.2); c.2074C>G, p.Leu692Val (NM_001127511.3); c.2182C>G, p.Leu728Val (NM_001354896.2); c.2158C>G, p.Leu720Val (NM_001354897.2); c.2053C>G, p.Leu685Val (NM_001354898.2); c.2044C>G, p.Leu682Val (NM_001354899.2); c.2005C>G, p.Leu669Val (NM_001354900.2); c.1951C>G, p.Leu651Val (NM_001354901.2); and 5 more; short protein forms L609V, L710V, L550V, L682V, L720V, L728V, L427V, L584V.
Identifiers: ClinVar variation 969187 (VCV000969187.12), dbSNP rs1246088084, ClinGen allele CA16025984.

ClinVar aggregate classification (germline): Uncertain significance. Review status: criteria provided, multiple submitters, no conflicts (2 of 4 stars). 2 submissions from 2 submitters: Uncertain significance (2). Last evaluated 2024-06-21.

Conditions:
Hereditary cancer-predisposing syndrome. Also called: Neoplastic Syndromes, Hereditary; Hereditary Cancer Syndrome; Tumor predisposition; Hereditary neoplastic syndrome. Identifiers: Orphanet 140162, MedGen C0027672, MeSH D009386, MONDO:0015356.
Familial adenomatous polyposis 1 (FAP1). Also called: FAMILIAL ADENOMATOUS POLYPOSIS 1, ATTENUATED; POLYPOSIS, ADENOMATOUS INTESTINAL. Identifiers: MedGen C2713442, MONDO:0021056, OMIM 175100. Disease mechanism: loss of function.

Submissions (2):

Ambry Genetics
Classification: Uncertain significance for Hereditary cancer-predisposing syndrome. Last evaluated: 2024-06-21. Review status: criteria provided, single submitter. Criteria: Ambry Variant Classification Scheme 2023. Collection method: clinical testing. Allele origin: germline.
Comment: The p.L710V variant (also known as c.2128C>G), located in coding exon 15 of the APC gene, results from a C to G substitution at nucleotide position 2128. The leucine at codon 710 is replaced by valine, an amino acid with highly similar properties. This amino acid position is conserved. In addition, in silico predictors for this gene do not accurately predict pathogenicity. Based on the available evidence, the clinical significance of this variant remains unclear.

Labcorp Genetics (formerly Invitae), Labcorp
Classification: Uncertain significance for Familial adenomatous polyposis 1. Last evaluated: 2019-11-13. Review status: criteria provided, single submitter. Criteria: Invitae Variant Classification Sherloc (09022015). Collection method: clinical testing. Allele origin: germline.
Comment: In summary, the available evidence is currently insufficient to determine the role of this variant in disease. Therefore, it has been classified as a Variant of Uncertain Significance. Algorithms developed to predict the effect of missense changes on protein structure and function (SIFT, PolyPhen-2, Align-GVGD) all suggest that this variant is likely to be disruptive, but these predictions have not been confirmed by published functional studies and their clinical significance is uncertain. This variant has not been reported in the literature in individuals with APC-related conditions. This variant is not present in population databases (ExAC no frequency). This sequence change replaces leucine with valine at codon 710 of the APC protein (p.Leu710Val). The leucine residue is highly conserved and there is a small physicochemical difference between leucine and valine.